The following is an entry in ClinVar:

ClinVar aggregate classification (germline): Uncertain significance (1 of 4 stars; one submission).

Conditions:
Cardiovascular phenotype. Identifiers: MedGen CN230736.

gnomAD v4.1: 1 of 1,613,644 alleles (0.000062%); highest among the groups gnomAD compares: Non-Finnish European, 0.000085%; no homozygotes.

Submission:

Ambry Genetics
Classification: Uncertain significance for Cardiovascular phenotype. Last evaluated: 2025-01-31. Review status: criteria provided, single submitter. Criteria: Ambry Variant Classification Scheme 2023. Collection method: clinical testing. Allele origin: germline.
Comment: The p.K379E variant (also known as c.1135A>G), located in coding exon 9 of the TRPM4 gene, results from an A to G substitution at nucleotide position 1135. The lysine at codon 379 is replaced by glutamic acid, an amino acid with similar properties. This amino acid position is conserved. In addition, this alteration is predicted to be tolerated by in silico analysis. Based on the available evidence, the clinical significance of this variant remains unclear.

NM_017636.4(TRPM4):c.1135A>G (p.Lys379Glu)

Gene: TRPM4 (transient receptor potential cation channel subfamily M member 4; plus strand). Cytogenetic location: 19q13.33.
Variant type: single nucleotide variant.
Coding change: c.1135A>G on transcript NM_017636.4 (MANE Select); coding-DNA position 1135, A replaced by G.
Protein change: p.Lys379Glu; replaces lysine 379 with glutamic acid.
Molecular consequence: missense variant. On other transcripts: 5 prime UTR variant (1), intron variant (1).
Genome position (GRCh38, 1-based): chr19:49,172,093, A>G. VCF-style: chr19-49172093-A-G. GRCh37 (hg19) VCF-style: chr19-49675350-A-G.
Other names: c.1135A>G, p.Lys379Glu (NM_001195227.2); c.790A>G, p.Lys264Glu (NM_001321281.2); c.-419A>G (NM_001321282.2); c.613A>G, p.Lys205Glu (NM_001321283.2); c.201+324A>G (NM_001321285.2); short protein forms K205E, K379E, K264E.
Identifiers: ClinVar variation 3811048 (VCV003811048.1).